The following is an entry in ClinVar:

NM_014714.4(IFT140):c.1968_1969inv (p.Glu657Lys)

Gene: IFT140 (intraflagellar transport 140; minus strand). Cytogenetic location: 16p13.3.
Variant type: Inversion.
Coding change: c.1968_1969inv on transcript NM_014714.4 (MANE Select).
Protein change: p.Glu657Lys; replaces glutamic acid 657 with lysine.
Molecular consequence: missense variant.
Genome position: GRCh38 VCF-style: chr16-1564095-CA-TG. GRCh37 (hg19) VCF-style: chr16-1614096-CA-TG.
Other names: short protein forms E657K.
Identifiers: ClinVar variation 1475469 (VCV001475469.8), ClinGen allele CA2573151756.

ClinVar aggregate classification (germline): Uncertain significance (1 of 4 stars; one submission).

Conditions:
Saldino-Mainzer syndrome (SRTD9). Also called: Renal dysplasia, retinal pigmentary dystrophy, cerebellar ataxia and skeletal dysplasia; CONORENAL SYNDROME; SHORT-RIB THORACIC DYSPLASIA 9 WITHOUT POLYDACTYLY; short-rib thoracic dysplasia 9 with or without polydactyly. Identifiers: Orphanet 140969, MedGen C1849437, MONDO:0009964, OMIM 266920.

Submission:

Labcorp Genetics (formerly Invitae), Labcorp
Classification: Uncertain significance for Saldino-Mainzer syndrome. Last evaluated: 2024-10-07. Review status: criteria provided, single submitter. Criteria: Invitae Variant Classification Sherloc (09022015). Collection method: clinical testing. Allele origin: germline.
Comment: This sequence change replaces glutamic acid, which is acidic and polar, with lysine, which is basic and polar, at codon 657 of the IFT140 protein (p.Glu657Lys). Information on the frequency of this variant in the gnomAD database is not available, as this variant may be reported differently in the database. This variant has not been reported in the literature in individuals affected with IFT140-related conditions. ClinVar contains an entry for this variant (Variation ID: 1475469). Experimental studies and prediction algorithms are not available or were not evaluated, and the functional significance of this variant is currently unknown. In summary, the available evidence is currently insufficient to determine the role of this variant in disease. Therefore, it has been classified as a Variant of Uncertain Significance.